The following is an entry in ClinVar:

NC_000003.12:g.169764986G>A

Genes: TERC (telomerase RNA component; minus strand), LOC110806306 (telomerase RNA component (TERC) promoter; plus strand). Cytogenetic location: 3q26.2.
Variant type: single nucleotide variant.
Genome position: GRCh38 VCF-style: chr3-169764986-G-A. GRCh37 (hg19) VCF-style: chr3-169482774-G-A.
Identifiers: ClinVar variation 1046338 (VCV001046338.9), dbSNP rs771988301, ClinGen allele CA2696824.

ClinVar aggregate classification (germline): Uncertain significance (1 of 4 stars; one submission).

Conditions:
Dyskeratosis congenita, autosomal dominant 1 (DKCA1). Also called: Dyskeratosis congenita Scoggins type. Identifiers: Orphanet 1775, MedGen C4551974, MONDO:0007485, OMIM 127550. Inheritance: Variable.

Allele frequency attached by ClinVar (database versions not stated): ExAC 0.00002; gnomAD exomes 0.00002.
gnomAD v4.1: 7 of 765,494 alleles (0.00091%); highest among the groups gnomAD compares: Admixed American, 0.0068%; no homozygotes.

Submission:

Labcorp Genetics (formerly Invitae), Labcorp
Classification: Uncertain significance for Dyskeratosis congenita, autosomal dominant 1. Last evaluated: 2026-01-17. Review status: criteria provided, single submitter. Criteria: Invitae Variant Classification Sherloc (09022015). Collection method: clinical testing. Allele origin: germline.
Comment: This variant occurs in the TERC gene, which encodes an RNA molecule that does not result in a protein product. This variant is present in population databases (rs771988301, gnomAD 0.01%). This variant has not been reported in the literature in individuals affected with TERC-related conditions. ClinVar contains an entry for this variant (Variation ID: 1046338). This variant is located within the template/pseudoknot domain of the TERC RNA component, which is required for RNA or RNP stability (PMID: 15082312, 21844345). This variant is located in a region of TERC in which a significant number of disease causing variants have been reported (PMID: 15082312, 21844345, 21931702). These observations suggest that this may be a clinically significant region. In summary, the available evidence is currently insufficient to determine the role of this variant in disease. Therefore, it has been classified as a Variant of Uncertain Significance.

Literature cited by the submitters: PubMed 15082312; PubMed 21844345; PubMed 21931702.